The following is an entry in ClinVar:

ClinVar aggregate classification (germline): Uncertain significance (1 of 4 stars; one submission).

Conditions:
Cardiovascular phenotype. Identifiers: MedGen CN230736.

Submission:

Ambry Genetics
Classification: Uncertain significance for Cardiovascular phenotype. Last evaluated: 2023-10-21. Review status: criteria provided, single submitter. Criteria: Ambry Variant Classification Scheme 2023. Collection method: clinical testing. Allele origin: germline.
Comment: The p.G404R variant (also known as c.1210G>C), located in coding exon 2 of the RBM20 gene, results from a G to C substitution at nucleotide position 1210. The glycine at codon 404 is replaced by arginine, an amino acid with dissimilar properties. This amino acid position is conserved. In addition, this alteration is predicted to be deleterious by in silico analysis. Since supporting evidence is limited at this time, the clinical significance of this alteration remains unclear.

NM_001134363.3(RBM20):c.1210G>C (p.Gly404Arg)

Gene: RBM20 (RNA binding motif protein 20; plus strand). Cytogenetic location: 10q25.2.
Variant type: single nucleotide variant.
Coding change: c.1210G>C on transcript NM_001134363.3 (MANE Select); coding-DNA position 1210, G replaced by C.
Protein change: p.Gly404Arg; replaces glycine 404 with arginine.
Molecular consequence: missense variant.
Genome position (GRCh38, 1-based): chr10:110,781,819, G>C. VCF-style: chr10-110781819-G-C. GRCh37 (hg19) VCF-style: chr10-112541577-G-C.
Other names: short protein forms G404R.
Identifiers: ClinVar variation 3233196 (VCV003233196.1), dbSNP rs530925237, ClinGen allele CA378385992.